The following is an entry in ClinVar:

ClinVar aggregate classification (germline): Uncertain significance (1 of 4 stars; one submission).

Conditions:
Catecholaminergic polymorphic ventricular tachycardia 1. Also called: RYR2-Related Catecholaminergic Polymorphic Ventricular Tachycardia; VENTRICULAR TACHYCARDIA, CATECHOLAMINERGIC POLYMORPHIC, 1, WITH OR WITHOUT ATRIAL DYSFUNCTION AND/OR DILATED CARDIOMYOPATHY; VENTRICULAR TACHYCARDIA, STRESS-INDUCED POLYMORPHIC 1. Identifiers: Orphanet 3286, MedGen C1631597, MONDO:0011484, OMIM 604772.

Submission:

Labcorp Genetics (formerly Invitae), Labcorp
Classification: Uncertain significance for Catecholaminergic polymorphic ventricular tachycardia 1. Last evaluated: 2020-08-06. Review status: criteria provided, single submitter. Criteria: Invitae Variant Classification Sherloc (09022015). Collection method: clinical testing. Allele origin: germline.
Comment: In summary, the available evidence is currently insufficient to determine the role of this variant in disease. Therefore, it has been classified as a Variant of Uncertain Significance. Advanced modeling of protein sequence and biophysical properties (such as structural, functional, and spatial information, amino acid conservation, physicochemical variation, residue mobility, and thermodynamic stability) performed at Invitae indicates that this missense variant is expected to disrupt RYR2 protein function. This variant has not been reported in the literature in individuals with RYR2-related conditions. This variant is not present in population databases (ExAC no frequency). This sequence change replaces glutamic acid with lysine at codon 2881 of the RYR2 protein (p.Glu2881Lys). The glutamic acid residue is highly conserved and there is a small physicochemical difference between glutamic acid and lysine.

NM_001035.3(RYR2):c.8641G>A (p.Glu2881Lys)

Gene: RYR2 (ryanodine receptor 2; plus strand). Cytogenetic location: 1q43.
Variant type: single nucleotide variant.
Coding change: c.8641G>A on transcript NM_001035.3 (MANE Select); coding-DNA position 8641, G replaced by A.
Protein change: p.Glu2881Lys; replaces glutamic acid 2881 with lysine.
Molecular consequence: missense variant.
Genome position (GRCh38, 1-based): chr1:237,674,146, G>A. VCF-style: chr1-237674146-G-A. GRCh37 (hg19) VCF-style: chr1-237837446-G-A.
Other names: short protein forms E2881K.
Identifiers: ClinVar variation 1001716 (VCV001001716.10), dbSNP rs1685192501, ClinGen allele CA345403008.